The following is an entry in ClinVar:

ClinVar aggregate classification (germline): Uncertain significance. Review status: criteria provided, multiple submitters, no conflicts (2 of 4 stars). 2 submissions from 2 submitters: Uncertain significance (2). Last evaluated 2021-12-30.

Conditions:
Intellectual developmental disorder, X-linked 90. Also called: Intellectual disability, X-linked 90; DLG3-Related X-Linked Nonsyndromic Mental Retardation. Identifiers: Orphanet 777, MedGen C3275443, MONDO:0010452, OMIM 300850.

Submissions (2):

Revvity Omics, Revvity
Classification: Uncertain significance for Intellectual developmental disorder, X-linked 90. Last evaluated: 2021-12-30. Review status: criteria provided, single submitter. Criteria: ACMG Guidelines, 2015. Collection method: clinical testing. Allele origin: germline.

GeneDx
Classification: Uncertain significance. Last evaluated: 2019-08-02. Review status: criteria provided, single submitter. Criteria: GeneDx Variant Classification Process June 2021. Collection method: clinical testing. Allele origin: germline. Affected: yes.
Comment: Not observed in large population cohorts (Lek et al., 2016); In silico analysis, which includes protein predictors and evolutionary conservation, supports that this variant does not alter protein structure/function; Has not been previously published as pathogenic or benign to our knowledge

NM_021120.4(DLG3):c.248G>A (p.Gly83Glu)

Gene: DLG3 (discs large MAGUK scaffold protein 3; plus strand). Cytogenetic location: Xq13.1.
Variant type: single nucleotide variant.
Coding change: c.248G>A on transcript NM_021120.4 (MANE Select); coding-DNA position 248, G replaced by A.
Protein change: p.Gly83Glu; replaces glycine 83 with glutamic acid.
Molecular consequence: missense variant.
Genome position (GRCh38, 1-based): chrX:70,445,449, G>A. VCF-style: chrX-70445449-G-A. GRCh37 (hg19) VCF-style: chrX-69665299-G-A.
Other names: short protein forms G83E.
Identifiers: ClinVar variation 1213104 (VCV001213104.6), dbSNP rs2147765084, ClinGen allele CA413490681.
Genomic context (GRCh38, chrX:70,445,449, plus strand): 5'-CGGGGGCCACCCCCACCCCTCGCACCAAGGCCAAGCTCATCCCCACCGGCCGGGATGTGG[G>A]GCCGGTGCCTCCTAAGCCAGTCCCGGGCAAGAGCACCCCCAAACTCAACGGCAGCGGCCC-3'
Protein context (NP_066943.2, residues 73-93): AKLIPTGRDV[Gly83Glu]PVPPKPVPGK